The following is an entry in ClinVar:

NM_007215.4(POLG2):c.542T>A (p.Leu181Gln)

Gene: POLG2 (DNA polymerase gamma 2, accessory subunit; minus strand).
Variant type: single nucleotide variant.
Coding change: c.542T>A on transcript NM_007215.4 (MANE Select); coding-DNA position 542, T replaced by A.
Protein change: p.Leu181Gln; replaces leucine 181 with glutamine.
Molecular consequence: missense variant.
Other names: short protein forms L181Q.
Identifiers: ClinVar variation 4686686 (VCV004686686.1).
Protein context (NP_009146.2, residues 171-191): LENVLKTSGK[Leu181Gln]RENLLHGALE

ClinVar aggregate classification (germline): Uncertain significance (1 of 4 stars; one submission).

Conditions:
Progressive external ophthalmoplegia with mitochondrial DNA deletions, autosomal dominant 4. Also called: PROGRESSIVE EXTERNAL OPHTHALMOPLEGIA, AUTOSOMAL DOMINANT 4. Identifiers: MedGen C1864668, MONDO:0012415, OMIM 610131.

Submission:

Concord Molecular Medicine Laboratory, Concord Repatriation General Hospital
Classification: Uncertain significance for Progressive external ophthalmoplegia with mitochondrial DNA deletions, autosomal dominant 4. Last evaluated: 2026-01-19. Review status: criteria provided, single submitter. Criteria: ACMG Guidelines, 2015. Collection method: clinical testing. Allele origin: germline. Affected: yes. Observed: 1 heterozygote.
Comment: Muscle biopsy was suggestive of a mitochondrial myopathy. The variant is absent from control population database (gnomAD v4.1.0). In silico analysis suggests a pathogenic effect (REVEL 0.78).